The following is an entry in ClinVar:

ClinVar aggregate classification (germline): Uncertain significance (1 of 4 stars; one submission).

Conditions:
Emery-Dreifuss muscular dystrophy 4, autosomal dominant (EDMD4). Also called: EMERY-DREIFUSS MUSCULAR DYSTROPHY 4 WITH VARIABLE FEATURES. Identifiers: Orphanet 261, MedGen C2751807, MONDO:0013071, OMIM 612998.
Autosomal recessive ataxia, Beauce type. Also called: SYNE1 Deficiency; Spinocerebellar ataxia, autosomal recessive 8; ATAXIA, RECESSIVE, OF BEAUCE; SYNE1-Related Autosomal Recessive Cerebellar Ataxia. Identifiers: Orphanet 88644, MedGen C1853116, MONDO:0012549, OMIM 610743.

Submission:

Labcorp Genetics (formerly Invitae), Labcorp
Classification: Uncertain significance for Emery-Dreifuss muscular dystrophy 4, autosomal dominant; Autosomal recessive ataxia, Beauce type. Last evaluated: 2022-03-10. Review status: criteria provided, single submitter. Criteria: Invitae Variant Classification Sherloc (09022015). Collection method: clinical testing. Allele origin: germline.
Comment: This sequence change replaces proline, which is neutral and non-polar, with threonine, which is neutral and polar, at codon 1077 of the SYNE1 protein (p.Pro1077Thr). This variant is not present in population databases (gnomAD no frequency). This variant has not been reported in the literature in individuals affected with SYNE1-related conditions. Algorithms developed to predict the effect of missense changes on protein structure and function are either unavailable or do not agree on the potential impact of this missense change (SIFT: "Deleterious"; PolyPhen-2: "Possibly Damaging"; Align-GVGD: "Class C0"). In summary, the available evidence is currently insufficient to determine the role of this variant in disease. Therefore, it has been classified as a Variant of Uncertain Significance.

NM_182961.4(SYNE1):c.3208C>A (p.Pro1070Thr)

Gene: SYNE1 (spectrin repeat containing nuclear envelope protein 1; minus strand). Cytogenetic location: 6q25.2.
Variant type: single nucleotide variant.
Coding change: c.3208C>A on transcript NM_182961.4 (MANE Select); coding-DNA position 3208, C replaced by A.
Protein change: p.Pro1070Thr; replaces proline 1070 with threonine.
Molecular consequence: missense variant.
Genome position (GRCh38, 1-based): chr6:152,450,812, G>T on the plus strand (C>A on the coding strand, the complement: SYNE1 is on the minus strand). VCF-style: chr6-152450812-G-T. GRCh37 (hg19) VCF-style: chr6-152771947-G-T.
Other names: c.3229C>A, p.Pro1077Thr (NM_033071.5); short protein forms P1070T, P1077T.
Identifiers: ClinVar variation 1959161 (VCV001959161.5), dbSNP rs2098641598, ClinGen allele CA366149946.
Genomic context (GRCh38, chr6:152,450,812, plus strand): 5'-CTGGGAGTTTCACACAGAGTTCCTCGATGAGCTGTAACCTTTTCTCACAGAGATGATGAG[G>T]ACCTTTGTCACTGAAGAAAACCTAATGTGTAATAAATGTTTTTATAATCCCTGTGAGAAG-3'
Protein context (NP_892006.3, residues 1060-1080): EHRVFFSDKG[Pro1070Thr]HHLCEKRLQL